The following is an entry in ClinVar:

NM_001267550.2(TTN):c.35471-10A>G

Gene: TTN (titin; minus strand). Cytogenetic location: 2q31.2.
Variant type: single nucleotide variant.
Coding change: c.35471-10A>G on transcript NM_001267550.2 (MANE Select); 10 bases into the intron before coding-DNA position 35471, A replaced by G.
Molecular consequence: intron variant.
Genome position (GRCh38, 1-based): chr2:178,669,457, T>C on the plus strand (A>G on the coding strand, the complement: TTN is on the minus strand). VCF-style: chr2-178669457-T-C. GRCh37 (hg19) VCF-style: chr2-179534184-T-C.
Other names: c.13283-27140A>G (NM_003319.4); c.13859-27140A>G (NM_133437.4); c.13658-27140A>G (NM_133432.3); c.31483+761A>G (NM_133378.4); c.34264+761A>G (NM_001256850.1).
Identifiers: ClinVar variation 700392 (VCV000700392.14), dbSNP rs780849590, ClinGen allele CA1997809.

ClinVar aggregate classification (germline): Benign/Likely benign. Review status: criteria provided, multiple submitters, no conflicts (2 of 4 stars). 3 submissions from 3 submitters: Benign (1); Likely benign (1). 1 of the submissions does not count toward it. Last evaluated 2025-10-13.

Conditions:
TTN-related disorder. Also called: TTN-related disorders; TTN-related condition; TTN-related disease.
Autosomal recessive limb-girdle muscular dystrophy type 2J (LGMDR10). Also called: MUSCULAR DYSTROPHY, LIMB-GIRDLE, AUTOSOMAL RECESSIVE 10; Limb-girdle muscular dystrophy, type 2J. Identifiers: Orphanet 140922, MedGen C1837342, MONDO:0012127, OMIM 608807.
Dilated cardiomyopathy 1G (CMD1G). Identifiers: Orphanet 154, MedGen C1858763, MONDO:0011400, OMIM 604145.

Allele frequency attached by ClinVar (database versions not stated): gnomAD exomes 0.00001 and 0.00009; gnomAD 0.00003 and 0.00004; TOPMed 0.00003; ExAC 0.00014.
gnomAD v4.1: 30 of 1,548,680 alleles (0.0019%); highest among the groups gnomAD compares: East Asian, 0.055%; no homozygotes.

Submissions (3):

Labcorp Genetics (formerly Invitae), Labcorp
Classification: Benign for Dilated cardiomyopathy 1G; Autosomal recessive limb-girdle muscular dystrophy type 2J. Last evaluated: 2025-10-13. Review status: criteria provided, single submitter. Criteria: Invitae Variant Classification Sherloc (09022015). Collection method: clinical testing. Allele origin: germline.

Blueprint Genetics
Classification: Likely benign. Last evaluated: 2024-10-23. Review status: criteria provided, single submitter. Criteria: ACMG Guidelines, 2015. Collection method: clinical testing. Allele origin: germline.

PreventionGenetics, part of Exact Sciences
Classification: Likely benign for TTN-related condition. Last evaluated: 2019-07-12. Review status: no assertion criteria provided. Collection method: clinical testing. Allele origin: germline. Not counted in ClinVar's aggregate classification.
Comment: This variant is classified as likely benign based on ACMG/AMP sequence variant interpretation guidelines (Richards et al. 2015 PMID: 25741868, with internal and published modifications).